The following is an entry in ClinVar:

ClinVar aggregate classification (germline): Uncertain significance (1 of 4 stars; one submission).

Conditions:
NTRK3-related disorder. Also called: NTRK3-related condition.

Submission:

PreventionGenetics, part of Exact Sciences
Classification: Uncertain significance for NTRK3-related condition. Last evaluated: 2024-12-29. Review status: criteria provided, single submitter. Criteria: ACMG Guidelines, 2015. Collection method: clinical testing. Allele origin: germline.
Comment: The NTRK3 c.1894C>T variant is predicted to result in the amino acid substitution p.His632Tyr. To our knowledge, this variant has not been reported in the literature or in a large population database (gnomAD), indicating this variant is rare. At this time, the clinical significance of this variant is uncertain due to the absence of conclusive functional and genetic evidence.

NM_001012338.3(NTRK3):c.1894C>T (p.His632Tyr)

Gene: NTRK3 (neurotrophic receptor tyrosine kinase 3; minus strand). Cytogenetic location: 15q25.3.
Variant type: single nucleotide variant.
Coding change: c.1894C>T on transcript NM_001012338.3 (MANE Select); coding-DNA position 1894, C replaced by T.
Protein change: p.His632Tyr; replaces histidine 632 with tyrosine.
Molecular consequence: missense variant.
Genome position (GRCh38, 1-based): chr15:87,929,430, G>A on the plus strand (C>T on the coding strand, the complement: NTRK3 is on the minus strand). VCF-style: chr15-87929430-G-A. GRCh37 (hg19) VCF-style: chr15-88472661-G-A.
Other names: c.1870C>T, p.His624Tyr (NM_001243101.2, NM_001375812.1); c.1600C>T, p.His534Tyr (NM_001320135.2); c.1894C>T, p.His632Tyr (NM_001375810.1, NM_001375811.1, NM_002530.4); short protein forms H632Y, H624Y, H534Y.
Identifiers: ClinVar variation 4984667 (VCV004984667.1).
Genomic context (GRCh38, chr15:87,929,430, plus strand): 5'-CCAGCTCACCCTTGGCCTGGCGTGGCTGTCCATCCACAAGGATCATTGCATCTGGCCCAT[G>A]GGCCCTGCAAGAGCATGGGGAGAAGAGAGGGGGCAGAGAGAAATCAGGAGATCAAGGAGA-3'
Protein context (NP_001012338.1, residues 622-642): HGDLNKFLRA[His632Tyr]GPDAMILVDG